The following is an entry in ClinVar:

ClinVar aggregate classification (germline): Uncertain significance (1 of 4 stars; one submission).

Conditions:
Myopathy, proximal, and ophthalmoplegia (CMYO6). Also called: INCLUSION BODY MYOPATHY 3, AUTOSOMAL DOMINANT; CONGENITAL MYOPATHY 6 WITH OPHTHALMOPLEGIA; MYOPATHY WITH CONGENITAL JOINT CONTRACTURES, OPHTHALMOPLEGIA, AND RIMMED VACUOLES. Identifiers: Orphanet 363677, Orphanet 79091, MedGen C1854106, MONDO:0011577, OMIM 605637.

Submission:

Labcorp Genetics (formerly Invitae), Labcorp
Classification: Uncertain significance for Myopathy, proximal, and ophthalmoplegia. Last evaluated: 2020-10-16. Review status: criteria provided, single submitter. Criteria: Invitae Variant Classification Sherloc (09022015). Collection method: clinical testing. Allele origin: germline.
Comment: In summary, the available evidence is currently insufficient to determine the role of this variant in disease. Therefore, it has been classified as a Variant of Uncertain Significance. Algorithms developed to predict the effect of sequence changes on RNA splicing suggest that this variant is not likely to affect RNA splicing, but this prediction has not been confirmed by published transcriptional studies. This variant has not been reported in the literature in individuals with MYH2-related conditions. This variant is not present in population databases (ExAC no frequency). This sequence change affects codon 1767 of the MYH2 mRNA. It is a 'silent' change, meaning that it does not change the encoded amino acid sequence of the MYH2 protein.

NM_017534.6(MYH2):c.5301T>C (p.Asp1767=)

Genes: MYH2 (myosin heavy chain 2; minus strand), MYHAS (myosin heavy chain gene cluster antisense RNA; plus strand). Cytogenetic location: 17p13.1.
Variant type: single nucleotide variant.
Coding change: c.5301T>C on transcript NM_017534.6 (MANE Select); coding-DNA position 5301, T replaced by C.
Protein change: p.Asp1767=; no amino-acid change (aspartic acid 1767 retained).
Molecular consequence: synonymous variant.
Genome position (GRCh38, 1-based): chr17:10,523,759, A>G on the plus strand (T>C on the coding strand, the complement: MYH2 is on the minus strand). VCF-style: chr17-10523759-A-G. GRCh37 (hg19) VCF-style: chr17-10427076-A-G.
Other names: c.5301T>C, p.Asp1767= (NM_001100112.2).
Identifiers: ClinVar variation 1010955 (VCV001010955.5), dbSNP rs2073313827, ClinGen allele CA497975582.
Genomic context (GRCh38, chr17:10,523,759, plus strand): 5'-AGTTATAGATGTCAGGAAATCTTACTGCTAAATCAGTGGACAAGTGTGCCTGCCACTCAC[A>G]TCAGTGATGGCCTTCTTGGCCTTTTCTTCTGCATTGCGGGCTTCCTGGAGAATGTCCTCC-3'
Protein context (NP_060004.3, residues 1757-1777): AEEKAKKAIT[Asp1767=]AAMMAEELKK